The following is an entry in ClinVar:

NM_001018005.2(TPM1):c.852-4G>A

Gene: TPM1 (tropomyosin 1; plus strand). Cytogenetic location: 15q22.2.
Variant type: single nucleotide variant.
Coding change: c.852-4G>A on transcript NM_001018005.2 (MANE Select); 4 bases into the intron before coding-DNA position 852, G replaced by A.
Molecular consequence: intron variant. On other transcripts: 3 prime UTR variant (2).
Genome position (GRCh38, 1-based): chr15:63,065,892, G>A. VCF-style: chr15-63065892-G-A. GRCh37 (hg19) VCF-style: chr15-63358091-G-A.
Other names: c.*1746G>A (NM_001365781.2, NM_001365782.1); c.898+3247G>A (NM_001365778.1); c.772+3247G>A (NM_001018020.2, NM_001018007.2, NM_001018006.2 and 2 more transcripts); c.852-4G>A (NM_001301244.2); c.45-4G>A (NM_000366.6, NM_001365779.1); c.773-4G>A (NM_001365777.1); c.664+3247G>A (NM_001330351.2, NM_001330344.2, NM_001018008.2 and 1 more transcripts); c.744-4G>A (NM_001330346.2); and 1 more.
Identifiers: ClinVar variation 519198 (VCV000519198.18), dbSNP rs374970923, ClinGen allele CA032850.

ClinVar aggregate classification (germline): Conflicting classifications of pathogenicity. Review status: criteria provided, conflicting classifications (1 of 4 stars). 7 submissions from 7 submitters: Uncertain significance (3); Likely benign (4). Last evaluated 2026-06-18.

Conditions:
Cardiovascular phenotype. Identifiers: MedGen CN230736.
Hypertrophic cardiomyopathy. Also called: HYPERTROPHIC MYOCARDIOPATHY. Identifiers: Orphanet 217569, MedGen C0007194, MeSH D002312, MONDO:0005045, HP:0001639.
Cardiomyopathy (CMYO). Also called: Cardiomyopathies. Identifiers: Orphanet 167848, MedGen C0878544, MONDO:0004994, HP:0001638. Inheritance: Various modes of inheritance.
Dilated cardiomyopathy 1Y (CMD1Y). Identifiers: Orphanet 154, Orphanet 54260, MedGen C2678476, MONDO:0012744, OMIM 611878.
TPM1-related disorder. Also called: TPM1-related condition.

Allele frequency attached by ClinVar (database versions not stated): gnomAD 0.00001; TOPMed 0.00001; gnomAD exomes 0.00002 and 0.00003; ExAC 0.00004; ESP Exome Variant Server 0.00008.
gnomAD v4.1: 23 of 1,592,828 alleles (0.0014%); highest among the groups gnomAD compares: South Asian, 0.0033%; no homozygotes.

Submissions (7):

PreventionGenetics, part of Exact Sciences
Classification: Likely benign for TPM1-related condition. Last evaluated: 2026-06-18. Review status: criteria provided, single submitter. Criteria: ACMG Guidelines, 2015. Collection method: clinical testing. Allele origin: germline.
Comment: This variant is classified as likely benign based on ACMG/AMP sequence variant interpretation guidelines (Richards et al. 2015 PMID: 25741868, with internal and published modifications).

Labcorp Genetics (formerly Invitae), Labcorp
Classification: Likely benign for Hypertrophic cardiomyopathy. Last evaluated: 2026-01-05. Review status: criteria provided, single submitter. Criteria: Invitae Variant Classification Sherloc (09022015). Collection method: clinical testing. Allele origin: germline.

All of Us Research Program, National Institutes of Health
Classification: Likely benign for Hypertrophic cardiomyopathy. Last evaluated: 2023-12-01. Review status: criteria provided, single submitter. Criteria: ACMG Guidelines, 2015. Collection method: clinical testing. Allele origin: germline. Inheritance: Autosomal dominant inheritance. Observed: 4 variant alleles, 4 heterozygotes.
Comment: This study involves interpretation of variants in research participants for the purpose of population health screening. Participant phenotype was not available at the time of variant classification. Additional details can be found in publication PMID: 35346344, PMCID: PMC8962531

Color Diagnostics, LLC DBA Color Health
Classification: Likely benign for Cardiomyopathy. Last evaluated: 2023-04-19. Review status: criteria provided, single submitter. Criteria: ACMG Guidelines, 2015. Collection method: clinical testing. Allele origin: germline.

CHEO Genetics Diagnostic Laboratory, Children's Hospital of Eastern Ontario
Classification: Uncertain significance for Cardiomyopathy. Last evaluated: 2023-03-21. Review status: criteria provided, single submitter. Criteria: ACMG Guidelines, 2015. Collection method: clinical testing. Allele origin: germline.

New York Genome Center
Classification: Uncertain significance for Dilated cardiomyopathy 1Y. Last evaluated: 2019-06-26. Review status: criteria provided, single submitter. Criteria: NYGC Assertion Criteria 2020. Collection method: clinical testing. Allele origin: germline. Observed: 1 heterozygote. Study: CSER-NYCKidSeq.

Ambry Genetics
Classification: Uncertain significance for Cardiovascular phenotype. Last evaluated: 2018-04-05. Review status: criteria provided, single submitter. Criteria: Ambry Variant Classification Scheme 2023. Collection method: clinical testing. Allele origin: germline.
Comment: The c.852-4G>A intronic variant results from a G to A substitution 4 nucleotides upstream from coding exon 10 in the TPM1 gene. This nucleotide position is not well conserved in available vertebrate species, and A is the reference nucleotide in other vertebrate species. Using the BDGP and ESEfinder splice site prediction tools, this alteration is not predicted to have any significant effect on this splice acceptor site; however, direct evidence is unavailable. Since supporting evidence is limited at this time, the clinical significance of this alteration remains unclear.